The following is an entry in ClinVar:

ClinVar aggregate classification (germline): Pathogenic (1 of 4 stars; one submission).

Conditions:
NF1-related disorder. Also called: NF1-related condition. Identifiers: MedGen CN379171.

Submission:

Greenwood Genetic Center Diagnostic Laboratories, Greenwood Genetic Center
Classification: Pathogenic for NF1-related disorder. Last evaluated: 2024-01-17. Review status: criteria provided, single submitter. Criteria: ACMG Guidelines, 2015. Collection method: clinical testing. Allele origin: germline. Affected: yes.
Comment: PVS1, PM1, PM2

NM_001042492.3(NF1):c.1890dup (p.Gly631fs)

Gene: NF1 (neurofibromin 1; plus strand). Cytogenetic location: 17q11.2.
Variant type: Duplication.
Coding change: c.1890dup on transcript NM_001042492.3 (MANE Select); coding-DNA position 1890, one base duplicated (A; older notation c.1890dupA).
Protein change: p.Gly631fs; shifts the reading frame from glycine 631.
Molecular consequence: frameshift variant.
Genome position (GRCh38, 1-based): chr17:31,225,139, A duplicated. VCF-style (leftmost placement, unchanged base first): chr17-31225138-T-TA. GRCh37 (hg19) VCF-style: chr17-29552156-T-TA.
Other names: c.1890dup, p.Gly631Argfs (NM_000267.4); short protein forms G631fs.
Identifiers: ClinVar variation 3235837 (VCV003235837.1), dbSNP rs2508140860, ClinGen allele CA2825002483.